The following is an entry in ClinVar:

NM_014249.4(NR2E3):c.505C>T (p.Leu169=)

Gene: NR2E3 (nuclear receptor subfamily 2 group E member 3; plus strand). Cytogenetic location: 15q23.
Variant type: single nucleotide variant.
Coding change: c.505C>T on transcript NM_014249.4 (MANE Select); coding-DNA position 505, C replaced by T.
Protein change: p.Leu169=; no amino-acid change (leucine 169 retained).
Molecular consequence: synonymous variant.
Genome position (GRCh38, 1-based): chr15:71,812,110, C>T. VCF-style: chr15-71812110-C-T. GRCh37 (hg19) VCF-style: chr15-72104450-C-T.
Other names: c.505C>T, p.Leu169= (NM_016346.4).
Identifiers: ClinVar variation 260367 (VCV000260367.21), dbSNP rs1805022, ClinGen allele CA7640321.

ClinVar aggregate classification (germline): Benign. Review status: criteria provided, multiple submitters, no conflicts (2 of 4 stars). 6 submissions from 5 submitters: Benign (5). 1 of the submissions does not count toward it. Last evaluated 2026-01-31.

Conditions:
Retinitis pigmentosa (RP). Identifiers: Orphanet 791, MedGen C0035334, MeSH D012174, MONDO:0019200, OMIM 268000. Inheritance: Autosomal dominant, autosomal recessive and X linked inheritance.
Goldmann-Favre syndrome. Identifiers: Orphanet 53540, MedGen C0339541, MONDO:0100289.
Enhanced S-cone syndrome (ESCS). Identifiers: Orphanet 53540, MedGen C1849394, MONDO:0100288, MONDO:0009989.

Allele frequency attached by ClinVar (database versions not stated): gnomAD exomes 0.00297 and 0.00126; ExAC 0.00594; ESP Exome Variant Server 0.00919; gnomAD 0.01257 and 0.01351; 1000 Genomes Project 0.01358; 1000 Genomes Project 30x 0.01390; TOPMed 0.01411.

Submissions (6):

Labcorp Genetics (formerly Invitae), Labcorp
Classification: Benign. Last evaluated: 2026-01-31. Review status: criteria provided, single submitter. Criteria: Invitae Variant Classification Sherloc (09022015). Collection method: clinical testing. Allele origin: germline.

Genome-Nilou Lab
Classification: Benign for ENHANCED S-CONE SYNDROME 1. Last evaluated: 2021-06-10. Review status: criteria provided, single submitter. Criteria: ACMG Guidelines, 2015. Collection method: clinical testing. Allele origin: germline. Affected: no.

Illumina Laboratory Services, Illumina
Classification: Benign for ENHANCED S-CONE SYNDROME 1. Last evaluated: 2018-01-13. Review status: criteria provided, single submitter. Criteria: ICSL Variant Classification Criteria 13 December 2019. Collection method: clinical testing. Allele origin: germline.
Comment: This variant was observed in the ICSL laboratory as part of a predisposition screen in an ostensibly healthy population. It had not been previously curated by ICSL or reported in the Human Gene Mutation Database (HGMD: prior to June 1st, 2018), and was therefore a candidate for classification through an automated scoring system. Utilizing variant allele frequency, disease prevalence and penetrance estimates, and inheritance mode, an automated score was calculated to assess if this variant is too frequent to cause the disease. Based on the score and internal cut-off values, a variant classified as benign is not then subjected to further curation. The score for this variant resulted in a classification of benign for this disease.

Illumina Laboratory Services, Illumina
Classification: Benign for Retinitis pigmentosa. Last evaluated: 2018-01-13. Review status: criteria provided, single submitter. Criteria: ICSL Variant Classification Criteria 13 December 2019. Collection method: clinical testing. Allele origin: germline.
Comment: the same text as in the submission from Illumina Laboratory Services, Illumina above.

PreventionGenetics, part of Exact Sciences
Classification: Benign. Review status: criteria provided, single submitter. Criteria: ACMG Guidelines, 2015. Collection method: clinical testing. Allele origin: germline.

Natera, Inc.
Classification: Benign for Goldmann-Favre syndrome. Last evaluated: 2020-09-16. Review status: no assertion criteria provided. Collection method: clinical testing. Allele origin: germline. Not counted in ClinVar's aggregate classification.